The following is an entry in ClinVar:

NM_015898.4(ZBTB7A):c.692del (p.Thr231fs)

Gene: ZBTB7A (zinc finger and BTB domain containing 7A; minus strand). Cytogenetic location: 19p13.3.
Variant type: Deletion.
Coding change: c.692del on transcript NM_015898.4 (MANE Select); coding-DNA position 692, one base deleted (C; older notation c.692delC).
Protein change: p.Thr231fs; shifts the reading frame from threonine 231.
Molecular consequence: frameshift variant.
Genome position (GRCh38, 1-based): chr19:4,054,541, G deleted on the plus strand (C on the coding strand, the reverse complement: ZBTB7A is on the minus strand). VCF-style (leftmost placement, unchanged base first): chr19-4054540-CG-C. GRCh37 (hg19) VCF-style: chr19-4054538-CG-C.
Other names: c.692del, p.Thr231fs (NM_001317990.2); short protein forms T231fs.
Identifiers: ClinVar variation 2571911 (VCV002571911.2), dbSNP rs2512275935, ClinGen allele CA2580613025.

ClinVar aggregate classification (germline): Likely pathogenic (1 of 4 stars; one submission).

Submission:

GeneDx
Classification: Likely pathogenic. Last evaluated: 2024-09-24. Review status: criteria provided, single submitter. Criteria: GeneDx Variant Classification Process June 2021. Collection method: clinical testing. Allele origin: germline. Affected: yes.
Comment: Frameshift variant predicted to result in protein truncation or nonsense mediated decay in a gene or region of a gene for which loss of function is not a well-established mechanism of disease; Not observed at significant frequency in large population cohorts (gnomAD); Has not been previously published as pathogenic or benign to our knowledge